The following is an entry in ClinVar:

NM_004612.4(TGFBR1):c.14T>A (p.Val5Asp)

Genes: TGFBR1 (transforming growth factor beta receptor 1; plus strand), LOC130002223 (ATAC-STARR-seq lymphoblastoid silent region 20124; plus strand). Cytogenetic location: 9q22.33.
Variant type: single nucleotide variant.
Coding change: c.14T>A on transcript NM_004612.4 (MANE Select); coding-DNA position 14, T replaced by A.
Protein change: p.Val5Asp; replaces valine 5 with aspartic acid.
Molecular consequence: missense variant. On other transcripts: 5 prime UTR variant (5), non-coding transcript variant (4), intron variant (8).
Genome position (GRCh38, 1-based): chr9:99,105,219, T>A. VCF-style: chr9-99105219-T-A. GRCh37 (hg19) VCF-style: chr9-101867501-T-A.
Other names: c.14T>A, p.Val5Asp (NM_001130916.3, NM_001306210.2, NM_001407416.1 and 5 more transcripts); c.-330T>A (NM_001407420.1, NM_001407429.1); c.-299T>A (NM_001407422.1, NM_001407426.1); c.-254T>A (NM_001407428.1); c.-111+1478T>A (NM_001407418.1, NM_001407423.1); c.-111+1113T>A (NM_001407424.1); c.-111+700T>A (NM_001407425.1); c.-111+493T>A (NM_001407434.1); and 2 more; short protein forms V5D.
Identifiers: ClinVar variation 3635870 (VCV003635870.2).
Genomic context (GRCh38, chr9:99,105,219, plus strand): 5'-GCGGCGCGGCCGGGCCGGGCCGGGCCACAGGCGGTGGCGGCGGGACCATGGAGGCGGCGG[T>A]CGCTGCTCCGCGTCCCCGGCTGCTCCTCCTCGTGCTGGCGGCGGCGGCGGCGGCGGCGGC-3'
Protein context (NP_004603.1, residues 1-15): MEAA[Val5Asp]AAPRPRLLLL

ClinVar aggregate classification (germline): Uncertain significance (1 of 4 stars; one submission).

Conditions:
Familial thoracic aortic aneurysm and aortic dissection (TAAD). Also called: Thoracic aortic aneurysms and dissections. Identifiers: Orphanet 91387, MedGen C4707243, MONDO:0019625.

Submission:

Labcorp Genetics (formerly Invitae), Labcorp
Classification: Uncertain significance for Familial thoracic aortic aneurysm and aortic dissection. Last evaluated: 2024-03-10. Review status: criteria provided, single submitter. Criteria: Invitae Variant Classification Sherloc (09022015). Collection method: clinical testing. Allele origin: germline.
Comment: This sequence change replaces valine, which is neutral and non-polar, with aspartic acid, which is acidic and polar, at codon 5 of the TGFBR1 protein (p.Val5Asp). The frequency data for this variant in the population databases is considered unreliable, as metrics indicate insufficient coverage at this position in the gnomAD database. This variant has not been reported in the literature in individuals affected with TGFBR1-related conditions. Advanced modeling of protein sequence and biophysical properties (such as structural, functional, and spatial information, amino acid conservation, physicochemical variation, residue mobility, and thermodynamic stability) performed at Invitae indicates that this missense variant is not expected to disrupt TGFBR1 protein function with a negative predictive value of 95%. In summary, the available evidence is currently insufficient to determine the role of this variant in disease. Therefore, it has been classified as a Variant of Uncertain Significance.